The following is an entry in ClinVar:

ClinVar aggregate classification (germline): Uncertain significance (1 of 4 stars; one submission).

Conditions:
Dyskeratosis congenita, autosomal dominant 1 (DKCA1). Also called: Dyskeratosis congenita Scoggins type. Identifiers: Orphanet 1775, MedGen C4551974, MONDO:0007485, OMIM 127550. Inheritance: Variable.

Allele frequency attached by ClinVar (database versions not stated): gnomAD exomes below 0.00001.
gnomAD v4.1: 1 of 765,498 alleles (0.00013%); highest among the groups gnomAD compares: Non-Finnish European, 0.00024%; no homozygotes.

Submission:

Labcorp Genetics (formerly Invitae), Labcorp
Classification: Uncertain significance for Dyskeratosis congenita, autosomal dominant 1. Last evaluated: 2025-11-17. Review status: criteria provided, single submitter. Criteria: Invitae Variant Classification Sherloc (09022015). Collection method: clinical testing. Allele origin: germline.
Comment: This variant occurs in the TERC gene, which encodes an RNA molecule that does not result in a protein product. This variant is not present in population databases (gnomAD no frequency). This variant has not been reported in the literature in individuals affected with TERC-related conditions. ClinVar contains an entry for this variant (Variation ID: 1041030). This variant is located within the template/pseudoknot domain of the TERC RNA component, which is required for RNA or RNP stability (PMID: 15082312, 21844345). This variant is located in a region of TERC in which a significant number of disease causing variants have been reported (PMID: 15082312, 21844345, 21931702). These observations suggest that this may be a clinically significant region. In summary, the available evidence is currently insufficient to determine the role of this variant in disease. Therefore, it has been classified as a Variant of Uncertain Significance.

Literature cited by the submitters: PubMed 15082312; PubMed 21844345; PubMed 21931702.

NC_000003.12:g.169764965G>A

Genes: TERC (telomerase RNA component; minus strand), LOC110806306 (telomerase RNA component (TERC) promoter; plus strand). Cytogenetic location: 3q26.2.
Variant type: single nucleotide variant.
Genome position: GRCh38 VCF-style: chr3-169764965-G-A. GRCh37 (hg19) VCF-style: chr3-169482753-G-A.
Identifiers: ClinVar variation 1041030 (VCV001041030.9), dbSNP rs1777963621, ClinGen allele CA436715816.
Genomic context (GRCh38, chr3:169,764,965, plus strand): 5'-GAACGGTGGAAGGCGGCAGGCCGAGGCTTTTCCGCCCGCTGAAAGTCAGCGAGAAAAACA[G>A]CGCGCGGGGAGCAAAAGCACGGCGCCTACGCCCTTCTCAGTTAGGGTTAGACAAAAAATG-3'